The following is an entry in ClinVar:

NM_001126121.2(SLC25A19):c.288+8G>C

Gene: SLC25A19 (solute carrier family 25 member 19; minus strand). Cytogenetic location: 17q25.1.
Variant type: single nucleotide variant.
Coding change: c.288+8G>C on transcript NM_001126121.2 (MANE Select); 8 bases into the intron after coding-DNA position 288, G replaced by C.
Molecular consequence: intron variant.
Genome position (GRCh38, 1-based): chr17:75,286,296, C>G on the plus strand (G>C on the coding strand, the complement: SLC25A19 is on the minus strand). VCF-style: chr17-75286296-C-G. GRCh37 (hg19) VCF-style: chr17-73282377-C-G.
Other names: c.288+8G>C (NM_001126122.2, NM_021734.5).
Identifiers: ClinVar variation 506459 (VCV000506459.17), dbSNP rs144563813, ClinGen allele CA8761052.

ClinVar aggregate classification (germline): Benign/Likely benign. Review status: criteria provided, multiple submitters, no conflicts (2 of 4 stars). 4 submissions from 4 submitters: Benign (1); Likely benign (2). 1 of the submissions does not count toward it. Last evaluated 2025-02-17.

Conditions:
SLC25A19-related disorder. Also called: SLC25A19-related condition.
Amish lethal microcephaly (MCPHA). Also called: MICROCEPHALY, AMISH TYPE; THIAMINE METABOLISM DYSFUNCTION SYNDROME 3 (MICROCEPHALY TYPE). Identifiers: Orphanet 99742, MedGen C1846648, MONDO:0011790, OMIM 607196.

Allele frequency attached by ClinVar (database versions not stated): gnomAD exomes 0.00020 and 0.00073; gnomAD 0.00024 and 0.00029; TOPMed 0.00052; ExAC 0.00076; 1000 Genomes Project 30x 0.00109; 1000 Genomes Project 0.00120.
gnomAD v4.1: 335 of 1,613,514 alleles (0.021%); highest among the groups gnomAD compares: East Asian, 0.72%; no homozygotes.

Submissions (4):

Labcorp Genetics (formerly Invitae), Labcorp
Classification: Benign. Last evaluated: 2025-02-17. Review status: criteria provided, single submitter. Criteria: Invitae Variant Classification Sherloc (09022015). Collection method: clinical testing. Allele origin: germline.

Illumina Laboratory Services, Illumina
Classification: Likely benign for Amish lethal microcephaly. Last evaluated: 2018-01-13. Review status: criteria provided, single submitter. Criteria: ICSL Variant Classification Criteria 13 December 2019. Collection method: clinical testing. Allele origin: germline.
Comment: This variant was observed in the ICSL laboratory as part of a predisposition screen in an ostensibly healthy population. It had not been previously curated by ICSL or reported in the Human Gene Mutation Database (HGMD: prior to June 1st, 2018), and was therefore a candidate for classification through an automated scoring system. Utilizing variant allele frequency, disease prevalence and penetrance estimates, and inheritance mode, an automated score was calculated to assess if this variant is too frequent to cause the disease. Based on the score and internal cut-off values, a variant classified as likely benign is not then subjected to further curation. The score for this variant resulted in a classification of likely benign for this disease.

GeneDx
Classification: Likely benign. Last evaluated: 2017-08-18. Review status: criteria provided, single submitter. Criteria: GeneDx Variant Classification (06012015). Collection method: clinical testing. Allele origin: germline. Affected: yes.
Comment: This variant is considered likely benign or benign based on one or more of the following criteria: it is a conservative change, it occurs at a poorly conserved position in the protein, it is predicted to be benign by multiple in silico algorithms, and/or has population frequency not consistent with disease.

PreventionGenetics, part of Exact Sciences
Classification: Benign for SLC25A19-related condition. Last evaluated: 2019-08-09. Review status: no assertion criteria provided. Collection method: clinical testing. Allele origin: germline. Not counted in ClinVar's aggregate classification.
Comment: This variant is classified as benign based on ACMG/AMP sequence variant interpretation guidelines (Richards et al. 2015 PMID: 25741868, with internal and published modifications).